The following is an entry in ClinVar:

NM_004415.4(DSP):c.5202G>C (p.Leu1734=)

Gene: DSP (desmoplakin; plus strand). Cytogenetic location: 6p24.3.
Variant type: single nucleotide variant.
Coding change: c.5202G>C on transcript NM_004415.4 (MANE Select); coding-DNA position 5202, G replaced by C.
Protein change: p.Leu1734=; no amino-acid change (leucine 1734 retained).
Molecular consequence: synonymous variant. On other transcripts: intron variant (2).
Genome position (GRCh38, 1-based): chr6:7,581,392, G>C. VCF-style: chr6-7581392-G-C. GRCh37 (hg19) VCF-style: chr6-7581625-G-C.
Other names: c.4050+1152G>C (NM_001319034.2); c.3583-1250G>C (NM_001008844.3); c.5202G>C (NM_004415.3).
Identifiers: ClinVar variation 712162 (VCV000712162.12), dbSNP rs755220841, ClinGen allele CA044225.

ClinVar aggregate classification (germline): Likely benign. Review status: criteria provided, multiple submitters, no conflicts (2 of 4 stars). 4 submissions from 4 submitters: Likely benign (3). 1 of the submissions does not count toward it. Last evaluated 2025-12-14.

Conditions:
DSP-related disorder. Also called: DSP-related disorders; DSP-related condition.
Arrhythmogenic cardiomyopathy with wooly hair and keratoderma. Also called: Dilated cardiomyopathy with woolly hair and keratoderma; Arrhythmogenic cardiomyopathy with woolly hair and keratoderma; PALMOPLANTAR KERATODERMA WITH LEFT VENTRICULAR CARDIOMYOPATHY AND WOOLLY HAIR; Carvajal syndrome. Identifiers: Orphanet 65282, MedGen C1854063, MONDO:0011581, OMIM 605676.
Arrhythmogenic right ventricular dysplasia 8 (ARVD8). Also called: Arrhythmogenic Right Ventricular Dysplasia/Cardiomyopathy 8; ARRHYTHMOGENIC RIGHT VENTRICULAR DYSPLASIA, FAMILIAL, 8; ARRHYTHMOGENIC RIGHT VENTRICULAR CARDIOMYOPATHY 8. Identifiers: MedGen C1843896, MONDO:0011831, OMIM 607450.

Allele frequency attached by ClinVar (database versions not stated): ExAC 0.00001; gnomAD 0.00001; gnomAD exomes 0.00001; TOPMed 0.00001.
gnomAD v4.1: 7 of 1,614,006 alleles (0.00043%); highest among the groups gnomAD compares: Admixed American, 0.012%; no homozygotes.

Submissions (4):

Labcorp Genetics (formerly Invitae), Labcorp
Classification: Likely benign for Arrhythmogenic cardiomyopathy with wooly hair and keratoderma; Arrhythmogenic right ventricular dysplasia 8. Last evaluated: 2025-12-14. Review status: criteria provided, single submitter. Criteria: Invitae Variant Classification Sherloc (09022015). Collection method: clinical testing. Allele origin: germline.

All of Us Research Program, National Institutes of Health
Classification: Likely benign for Arrhythmogenic cardiomyopathy with wooly hair and keratoderma. Last evaluated: 2024-04-16. Review status: criteria provided, single submitter. Criteria: ACMG Guidelines, 2015. Collection method: clinical testing. Allele origin: germline. Inheritance: Autosomal dominant inheritance. Observed: 2 variant alleles, 2 heterozygotes.
Comment: This study involves interpretation of variants in research participants for the purpose of population health screening. Participant phenotype was not available at the time of variant classification. Additional details can be found in publication PMID: 35346344, PMCID: PMC8962531

Women's Health and Genetics/Laboratory Corporation of America, LabCorp
Classification: Likely benign. Last evaluated: 2023-08-19. Review status: criteria provided, single submitter. Criteria: LabCorp Variant Classification Summary - May 2015. Collection method: clinical testing. Allele origin: germline.

PreventionGenetics, part of Exact Sciences
Classification: Likely benign for DSP-related condition. Last evaluated: 2024-02-01. Review status: no assertion criteria provided. Collection method: clinical testing. Allele origin: germline. Not counted in ClinVar's aggregate classification.
Comment: This variant is classified as likely benign based on ACMG/AMP sequence variant interpretation guidelines (Richards et al. 2015 PMID: 25741868, with internal and published modifications).